The following is an entry in ClinVar:

ClinVar aggregate classification (germline): Uncertain significance (1 of 4 stars; one submission).

Conditions:
Marfan syndrome (MFS). Also called: FBN1-Related Marfan Syndrome; MARFAN SYNDROME, TYPE I; Marfan syndrome type 1; Marfan's syndrome; Marfan syndrome, classic. Identifiers: Orphanet 284963, Orphanet 558, MedGen C0024796, MONDO:0007947, OMIM 154700.
Familial thoracic aortic aneurysm and aortic dissection (TAAD). Also called: Thoracic aortic aneurysms and dissections. Identifiers: Orphanet 91387, MedGen C4707243, MONDO:0019625.

Submission:

Labcorp Genetics (formerly Invitae), Labcorp
Classification: Uncertain significance for Marfan syndrome; Familial thoracic aortic aneurysm and aortic dissection. Last evaluated: 2025-06-01. Review status: criteria provided, single submitter. Criteria: Invitae Variant Classification Sherloc (09022015). Collection method: clinical testing. Allele origin: germline.
Comment: This sequence change replaces alanine, which is neutral and non-polar, with glycine, which is neutral and non-polar, at codon 216 of the FBN1 protein (p.Ala216Gly). This variant is not present in population databases (gnomAD no frequency). This variant has not been reported in the literature in individuals affected with FBN1-related conditions. Invitae Evidence Modeling of protein sequence and biophysical properties (such as structural, functional, and spatial information, amino acid conservation, physicochemical variation, residue mobility, and thermodynamic stability) indicates that this missense variant is expected to disrupt FBN1 protein function with a positive predictive value of 95%. In summary, the available evidence is currently insufficient to determine the role of this variant in disease. Therefore, it has been classified as a Variant of Uncertain Significance.

NM_000138.5(FBN1):c.647C>G (p.Ala216Gly)

Gene: FBN1 (fibrillin 1; minus strand). Cytogenetic location: 15q21.1.
Variant type: single nucleotide variant.
Coding change: c.647C>G on transcript NM_000138.5 (MANE Select); coding-DNA position 647, C replaced by G.
Protein change: p.Ala216Gly; replaces alanine 216 with glycine.
Molecular consequence: missense variant.
Genome position (GRCh38, 1-based): chr15:48,537,700, G>C on the plus strand (C>G on the coding strand, the complement: FBN1 is on the minus strand). VCF-style: chr15-48537700-G-C. GRCh37 (hg19) VCF-style: chr15-48829897-G-C.
Other names: c.647C>G, p.Ala216Gly (NM_001406716.1, NM_001406717.1); short protein forms A216G.
Identifiers: ClinVar variation 4788492 (VCV004788492.1).